The following is an entry in ClinVar:

ClinVar aggregate classification (germline): Uncertain significance (1 of 4 stars; one submission).

Conditions:
Inborn genetic diseases. Identifiers: MedGen C0950123, MeSH D030342.

Submission:

Ambry Genetics
Classification: Uncertain significance for Inborn genetic diseases. Last evaluated: 2020-10-30. Review status: criteria provided, single submitter. Criteria: Ambry Variant Classification Scheme 2023. Collection method: clinical testing. Allele origin: germline.
Comment: The p.I289V variant (also known as c.865A>G), located in coding exon 8 of the SLC25A46 gene, results from an A to G substitution at nucleotide position 865. The isoleucine at codon 289 is replaced by valine, an amino acid with highly similar properties. This amino acid position is not well conserved in available vertebrate species. In addition, this alteration is predicted to be tolerated by in silico analysis. Since supporting evidence is limited at this time, the clinical significance of this alteration remains unclear.

NM_138773.4(SLC25A46):c.865A>G (p.Ile289Val)

Gene: SLC25A46 (solute carrier family 25 member 46; plus strand). Cytogenetic location: 5q22.1.
Variant type: single nucleotide variant.
Coding change: c.865A>G on transcript NM_138773.4 (MANE Select); coding-DNA position 865, A replaced by G.
Protein change: p.Ile289Val; replaces isoleucine 289 with valine.
Molecular consequence: missense variant. On other transcripts: non-coding transcript variant (1), intron variant (1).
Genome position (GRCh38, 1-based): chr5:110,761,390, A>G. VCF-style: chr5-110761390-A-G. GRCh37 (hg19) VCF-style: chr5-110097090-A-G.
Other names: c.592A>G, p.Ile198Val (NM_001303250.3); c.679-57A>G (NM_001303249.3); short protein forms I198V, I289V.
Identifiers: ClinVar variation 1764207 (VCV001764207.2), dbSNP rs2547533419, ClinGen allele CA360696360.